The following is an entry in ClinVar:

NM_002474.3(MYH11):c.800A>G (p.Glu267Gly)

Gene: MYH11 (myosin heavy chain 11; minus strand). Cytogenetic location: 16p13.11.
Variant type: single nucleotide variant.
Coding change: c.800A>G on transcript NM_002474.3 (MANE Select); coding-DNA position 800, A replaced by G.
Protein change: p.Glu267Gly; replaces glutamic acid 267 with glycine.
Molecular consequence: missense variant.
Genome position (GRCh38, 1-based): chr16:15,776,167, T>C on the plus strand (A>G on the coding strand, the complement: MYH11 is on the minus strand). VCF-style: chr16-15776167-T-C. GRCh37 (hg19) VCF-style: chr16-15870024-T-C.
Other names: c.821A>G, p.Glu274Gly (NM_001040114.2, NM_001040113.2); c.800A>G, p.Glu267Gly (NM_022844.3); short protein forms E274G, E267G.
Identifiers: ClinVar variation 2695446 (VCV002695446.3), dbSNP rs2506551591, ClinGen allele CA394869621.

ClinVar aggregate classification (germline): Uncertain significance (1 of 4 stars; one submission).

Conditions:
Aortic aneurysm, familial thoracic 4 (AAT4). Also called: AORTIC ANEURYSM/AORTIC DISSECTION AND PATENT DUCTUS ARTERIOSUS. Identifiers: MedGen C1851504, MONDO:0007568, OMIM 132900.

Submission:

Labcorp Genetics (formerly Invitae), Labcorp
Classification: Uncertain significance for Aortic aneurysm, familial thoracic 4. Last evaluated: 2023-11-13. Review status: criteria provided, single submitter. Criteria: Invitae Variant Classification Sherloc (09022015). Collection method: clinical testing. Allele origin: germline.
Comment: This sequence change replaces glutamic acid, which is acidic and polar, with glycine, which is neutral and non-polar, at codon 274 of the MYH11 protein (p.Glu274Gly). This variant is not present in population databases (gnomAD no frequency). This variant has not been reported in the literature in individuals affected with MYH11-related conditions. Advanced modeling of protein sequence and biophysical properties (such as structural, functional, and spatial information, amino acid conservation, physicochemical variation, residue mobility, and thermodynamic stability) has been performed at Invitae for this missense variant, however the output from this modeling did not meet the statistical confidence thresholds required to predict the impact of this variant on MYH11 protein function. In summary, the available evidence is currently insufficient to determine the role of this variant in disease. Therefore, it has been classified as a Variant of Uncertain Significance.